The following is an entry in ClinVar:

NM_001184.4(ATR):c.5482G>A (p.Ala1828Thr)

Gene: ATR (ATR checkpoint kinase; minus strand). Cytogenetic location: 3q23.
Variant type: single nucleotide variant.
Coding change: c.5482G>A on transcript NM_001184.4 (MANE Select); coding-DNA position 5482, G replaced by A.
Protein change: p.Ala1828Thr; replaces alanine 1828 with threonine.
Molecular consequence: missense variant.
Genome position (GRCh38, 1-based): chr3:142,498,673, C>T on the plus strand (G>A on the coding strand, the complement: ATR is on the minus strand). VCF-style: chr3-142498673-C-T. GRCh37 (hg19) VCF-style: chr3-142217515-C-T.
Other names: c.5290G>A, p.Ala1764Thr (NM_001354579.2); short protein forms A1828T, A1764T.
Identifiers: ClinVar variation 1747813 (VCV001747813.2), dbSNP rs555561075, ClinGen allele CA2649605.

ClinVar aggregate classification (germline): Uncertain significance (1 of 4 stars; one submission).

Conditions:
Inborn genetic diseases. Identifiers: MedGen C0950123, MeSH D030342.

Allele frequency attached by ClinVar (database versions not stated): TOPMed below 0.00001; gnomAD 0.00001; gnomAD exomes 0.00001; ExAC 0.00002; 1000 Genomes Project 30x 0.00031; 1000 Genomes Project 0.00040.
gnomAD v4.1: 18 of 1,614,092 alleles (0.0011%); highest among the groups gnomAD compares: South Asian, 0.019%; no homozygotes.

Submission:

Ambry Genetics
Classification: Uncertain significance for Inborn genetic diseases. Last evaluated: 2022-07-11. Review status: criteria provided, single submitter. Criteria: Ambry Variant Classification Scheme 2023. Collection method: clinical testing. Allele origin: germline.
Comment: The p.A1828T variant (also known as c.5482G>A), located in coding exon 32 of the ATR gene, results from a G to A substitution at nucleotide position 5482. The alanine at codon 1828 is replaced by threonine, an amino acid with similar properties. This amino acid position is conserved. In addition, this alteration is predicted to be tolerated by in silico analysis. Since supporting evidence is limited at this time, the clinical significance of this alteration remains unclear.